The following is an entry in ClinVar:

NM_000083.3(CLCN1):c.1877G>A (p.Arg626Gln)

Gene: CLCN1 (chloride voltage-gated channel 1; plus strand). Cytogenetic location: 7q34.
Variant type: single nucleotide variant.
Coding change: c.1877G>A on transcript NM_000083.3 (MANE Select); coding-DNA position 1877, G replaced by A.
Protein change: p.Arg626Gln; replaces arginine 626 with glutamine.
Molecular consequence: missense variant. On other transcripts: non-coding transcript variant (1).
Genome position (GRCh38, 1-based): chr7:143,342,452, G>A. VCF-style: chr7-143342452-G-A. GRCh37 (hg19) VCF-style: chr7-143039545-G-A.
Other names: short protein forms R626Q.
Identifiers: ClinVar variation 3763512 (VCV003763512.1).
Genomic context (GRCh38, chr7:143,342,452, plus strand): 5'-AGGACATCATGGTACGTGATGTGAAGTTTGTTTCAGCTTCTTACACATATGGGGAGTTGC[G>A]AACCCTGCTCCAGACCACCACAGTCAAGACTTTACCACTGGTTGACTCAAAAGGTCAGTG-3'
Protein context (NP_000074.3, residues 616-636): VSASYTYGEL[Arg626Gln]TLLQTTTVKT

ClinVar aggregate classification (germline): Uncertain significance (1 of 4 stars; one submission).

Conditions:
Congenital myotonia, autosomal dominant form (THD). Also called: THOMSEN DISEASE; Myotonia congenita autosomal dominant. Identifiers: Orphanet 614, MedGen C2936781, MONDO:0008055, OMIM 160800.
Congenital myotonia, autosomal recessive form. Also called: Becker Generalized Myotonia; myotonia congenita, autosomal recessive; BECKER DISEASE. Identifiers: Orphanet 614, MedGen C0751360, MONDO:0009715, OMIM 255700.

Submission:

Labcorp Genetics (formerly Invitae), Labcorp
Classification: Uncertain significance for Congenital myotonia, autosomal recessive form; Congenital myotonia, autosomal dominant form. Last evaluated: 2024-10-12. Review status: criteria provided, single submitter. Criteria: Invitae Variant Classification Sherloc (09022015). Collection method: clinical testing. Allele origin: germline.
Comment: This sequence change replaces arginine, which is basic and polar, with glutamine, which is neutral and polar, at codon 626 of the CLCN1 protein (p.Arg626Gln). This variant is present in population databases (rs749902453, gnomAD 0.009%). This variant has not been reported in the literature in individuals affected with CLCN1-related conditions. Invitae Evidence Modeling of protein sequence and biophysical properties (such as structural, functional, and spatial information, amino acid conservation, physicochemical variation, residue mobility, and thermodynamic stability) indicates that this missense variant is not expected to disrupt CLCN1 protein function with a negative predictive value of 95%. In summary, the available evidence is currently insufficient to determine the role of this variant in disease. Therefore, it has been classified as a Variant of Uncertain Significance.